The following is an entry in ClinVar:

ClinVar aggregate classification (germline): Uncertain significance (1 of 4 stars; one submission).

Conditions:
Arrhythmogenic cardiomyopathy with wooly hair and keratoderma. Also called: PALMOPLANTAR KERATODERMA WITH LEFT VENTRICULAR CARDIOMYOPATHY AND WOOLLY HAIR; Carvajal syndrome; Dilated cardiomyopathy with woolly hair and keratoderma; Arrhythmogenic cardiomyopathy with woolly hair and keratoderma. Identifiers: Orphanet 65282, MedGen C1854063, MONDO:0011581, OMIM 605676.

Submission:

All of Us Research Program, National Institutes of Health
Classification: Uncertain significance for Arrhythmogenic cardiomyopathy with wooly hair and keratoderma. Last evaluated: 2023-10-06. Review status: criteria provided, single submitter. Criteria: ACMG Guidelines, 2015. Collection method: clinical testing. Allele origin: germline. Inheritance: Autosomal dominant inheritance. Observed: 1 variant allele, 1 heterozygote.
Comment: This missense variant replaces proline with histidine at codon 410 of the DSP protein. Computational prediction suggests that this variant may not impact protein structure and function (internally defined REVEL score threshold <= 0.5, PMID: 27666373). To our knowledge, functional studies have not been reported for this variant. This variant has not been reported in individuals affected with DSP-related disorders in the literature. This variant has not been identified in the general population by the Genome Aggregation Database (gnomAD). The available evidence is insufficient to determine the role of this variant in disease conclusively. Therefore, this variant is classified as a Variant of Uncertain Significance.

This study involves interpretation of variants in research participants for the purpose of population health screening. Participant phenotype was not available at the time of variant classification. Additional details can be found in publication PMID: 35346344, PMCID: PMC8962531

NM_004415.4(DSP):c.1229C>A (p.Pro410His)

Gene: DSP (desmoplakin; plus strand). Cytogenetic location: 6p24.3.
Variant type: single nucleotide variant.
Coding change: c.1229C>A on transcript NM_004415.4 (MANE Select); coding-DNA position 1229, C replaced by A.
Protein change: p.Pro410His; replaces proline 410 with histidine.
Molecular consequence: missense variant.
Genome position (GRCh38, 1-based): chr6:7,567,869, C>A. VCF-style: chr6-7567869-C-A. GRCh37 (hg19) VCF-style: chr6-7568102-C-A.
Other names: c.1229C>A, p.Pro410His (NM_001008844.3, NM_001319034.2, NM_001406591.1); short protein forms P410H.
Identifiers: ClinVar variation 3073784 (VCV003073784.1), dbSNP rs1758912467, ClinGen allele CA362676189.